The following is an entry in ClinVar:

ClinVar aggregate classification (germline): Uncertain significance (1 of 4 stars; one submission).

Conditions:
Cardiovascular phenotype. Identifiers: MedGen CN230736.

Submission:

Ambry Genetics
Classification: Uncertain significance for Cardiovascular phenotype. Last evaluated: 2024-04-14. Review status: criteria provided, single submitter. Criteria: Ambry Variant Classification Scheme 2023. Collection method: clinical testing. Allele origin: germline.
Comment: The p.L533M variant (also known as c.1597C>A), located in coding exon 1 of the DOLK gene, results from a C to A substitution at nucleotide position 1597. The leucine at codon 533 is replaced by methionine, an amino acid with highly similar properties. This amino acid position is conserved. In addition, this alteration is predicted to be tolerated by in silico analysis. Based on the available evidence, the clinical significance of this variant remains unclear.

NM_014908.4(DOLK):c.1597C>A (p.Leu533Met)

Gene: DOLK (dolichol kinase; minus strand). Cytogenetic location: 9q34.11.
Variant type: single nucleotide variant.
Coding change: c.1597C>A on transcript NM_014908.4 (MANE Select); coding-DNA position 1597, C replaced by A.
Protein change: p.Leu533Met; replaces leucine 533 with methionine.
Molecular consequence: missense variant.
Genome position (GRCh38, 1-based): chr9:128,945,707, G>T on the plus strand (C>A on the coding strand, the complement: DOLK is on the minus strand). VCF-style: chr9-128945707-G-T. GRCh37 (hg19) VCF-style: chr9-131707986-G-T.
Other names: short protein forms L533M.
Identifiers: ClinVar variation 3273480 (VCV003273480.1).
Genomic context (GRCh38, chr9:128,945,707, plus strand): 5'-CATGTCTGTTTCCTCCGTCACTGCTGCTGCACTGTAACAGCTAGGCCATCAGCAATATCA[G>T]GAGGTAGAGAGGCAGAAGGAGATTGTCTATCTGTGTAGTGTATGCTTCCAGGAGGGACAC-3'
Protein context (NP_055723.1, residues 523-538): IDNLLLPLYL[Leu533Met]ILLMA